The following is an entry in ClinVar:

ClinVar aggregate classification (germline): Likely pathogenic. Review status: criteria provided, multiple submitters, no conflicts (2 of 4 stars). 2 submissions from 2 submitters: Likely pathogenic (2). Last evaluated 2024-05-15.

Conditions:
Epithelial recurrent erosion dystrophy (ERED). Also called: CORNEAL EROSIONS, RECURRING HEREDITARY. Identifiers: Orphanet 293381, MedGen C1852551, MONDO:0007381, OMIM 122400.
Epidermolysis bullosa, junctional 4, intermediate. Also called: Epidermolysis bullosa, junctional, localisata variant; EPIDERMOLYSIS BULLOSA, JUNCTIONAL 4, NON-HERLITZ TYPE; EPIDERMOLYSIS BULLOSA, GENERALIZED ATROPHIC BENIGN. Identifiers: MedGen C2608084, MONDO:0030750, OMIM 619787.

Allele frequency attached by ClinVar (database versions not stated): gnomAD exomes below 0.00001; TOPMed below 0.00001; gnomAD 0.00001.
gnomAD v4.1: 2 of 1,614,068 alleles (0.00012%); highest among the groups gnomAD compares: East Asian, 0.0045%; no homozygotes.

Submissions (2):

Fulgent Genetics
Classification: Likely pathogenic for Epithelial recurrent erosion dystrophy; Epidermolysis bullosa, junctional 4, intermediate. Last evaluated: 2024-05-15. Review status: criteria provided, single submitter. Criteria: ACMG Guidelines, 2015. Collection method: clinical testing. Allele origin: germline.

Labcorp Genetics (formerly Invitae), Labcorp
Classification: Likely pathogenic. Last evaluated: 2023-09-11. Review status: criteria provided, single submitter. Criteria: Invitae Variant Classification Sherloc (09022015). Collection method: clinical testing. Allele origin: germline.
Comment: This sequence change affects an acceptor splice site in intron 28 of the COL17A1 gene. It is expected to disrupt RNA splicing. Variants that disrupt the donor or acceptor splice site typically lead to a loss of protein function (PMID: 16199547), and loss-of-function variants in COL17A1 are known to be pathogenic (PMID: 16473856, 17344927, 20301304, 21357940, 24319098). This variant is present in population databases (no rsID available, gnomAD 0.006%). In summary, the currently available evidence indicates that the variant is pathogenic, but additional data are needed to prove that conclusively. Therefore, this variant has been classified as Likely Pathogenic. Algorithms developed to predict the effect of sequence changes on RNA splicing suggest that this variant may disrupt the consensus splice site. This variant has not been reported in the literature in individuals affected with COL17A1-related conditions.

Literature cited by the submitters: PubMed 16199547 (cited by Labcorp Genetics (formerly Invitae), Labcorp); PubMed 16473856 (cited by Labcorp Genetics (formerly Invitae), Labcorp); PubMed 17344927 (cited by Labcorp Genetics (formerly Invitae), Labcorp); PubMed 20301304 (cited by Labcorp Genetics (formerly Invitae), Labcorp); PubMed 21357940 (cited by Labcorp Genetics (formerly Invitae), Labcorp); PubMed 24319098 (cited by Labcorp Genetics (formerly Invitae), Labcorp).

NM_000494.4(COL17A1):c.2165-2A>G

Gene: COL17A1 (collagen type XVII alpha 1 chain; minus strand). Cytogenetic location: 10q25.1.
Variant type: single nucleotide variant.
Coding change: c.2165-2A>G on transcript NM_000494.4 (MANE Select); the canonical splice acceptor site of the intron before coding-DNA position 2165, A replaced by G.
Molecular consequence: splice acceptor variant.
Genome position (GRCh38, 1-based): chr10:104,049,473, T>C on the plus strand (A>G on the coding strand, the complement: COL17A1 is on the minus strand). VCF-style: chr10-104049473-T-C. GRCh37 (hg19) VCF-style: chr10-105809231-T-C.
Identifiers: ClinVar variation 2875428 (VCV002875428.4), dbSNP rs1215427707, ClinGen allele CA378069346.